The following is an entry in ClinVar:

NM_020843.4(SCAPER):c.772+2025A>C

Gene: SCAPER (S-phase cyclin A associated protein in the ER; minus strand). Cytogenetic location: 15q24.3.
Variant type: single nucleotide variant.
Coding change: c.772+2025A>C on transcript NM_020843.4 (MANE Select); 2025 bases into the intron after coding-DNA position 772, A replaced by C.
Molecular consequence: intron variant. On other transcripts: missense variant (1).
Genome position (GRCh38, 1-based): chr15:76,793,255, T>G on the plus strand (A>C on the coding strand, the complement: SCAPER is on the minus strand). VCF-style: chr15-76793255-T-G. GRCh37 (hg19) VCF-style: chr15-77085596-T-G.
Other names: c.12A>C, p.Lys4Asn (NM_001145923.2); c.370+2025A>C (NM_001353011.2, NM_001353012.2, NM_001353010.2); c.772+2025A>C (NM_001353009.2); short protein forms K4N.
Identifiers: ClinVar variation 4998248 (VCV004998248.1).

ClinVar aggregate classification (germline): Uncertain significance (1 of 4 stars; one submission).

Conditions:
SCAPER-related disorder. Also called: SCAPER-related condition.

gnomAD v4.1: 10 of 1,055,776 alleles (0.00095%); highest among the groups gnomAD compares: Non-Finnish European, 0.0014%; no homozygotes.

Submission:

PreventionGenetics, part of Exact Sciences
Classification: Uncertain significance for SCAPER-related condition. Last evaluated: 2026-03-04. Review status: criteria provided, single submitter. Criteria: ACMG Guidelines, 2015. Collection method: clinical testing. Allele origin: germline.
Comment: The SCAPER c.12A>C variant is predicted to result in the amino acid substitution p.Lys4Asn. To our knowledge, this variant has not been reported in the literature. This variant is reported in 0.0018% of alleles in individuals of European (Non-Finnish) descent in gnomAD. At this time, the clinical significance of this variant is uncertain due to the absence of conclusive functional and genetic evidence.